The following is an entry in ClinVar:

ClinVar aggregate classification (germline): Uncertain significance (1 of 4 stars; one submission).

gnomAD v4.1: 5 of 1,208,741 alleles (0.00041%); highest among the groups gnomAD compares: Non-Finnish European, 0.00056%; no homozygotes.

Submission:

Labcorp Genetics (formerly Invitae), Labcorp
Classification: Uncertain significance. Last evaluated: 2024-06-14. Review status: criteria provided, single submitter. Criteria: Invitae Variant Classification Sherloc (09022015). Collection method: clinical testing. Allele origin: germline.
Comment: This sequence change replaces methionine, which is neutral and non-polar, with leucine, which is neutral and non-polar, at codon 83 of the STAG2 protein (p.Met83Leu). This variant is not present in population databases (gnomAD no frequency). This variant has not been reported in the literature in individuals affected with STAG2-related conditions. An algorithm developed to predict the effect of missense changes on protein structure and function (PolyPhen-2) suggests that this variant is likely to be tolerated. In summary, the available evidence is currently insufficient to determine the role of this variant in disease. Therefore, it has been classified as a Variant of Uncertain Significance.

NM_001042750.2(STAG2):c.247A>C (p.Met83Leu)

Gene: STAG2 (STAG2 cohesin complex component; plus strand). Cytogenetic location: Xq25.
Variant type: single nucleotide variant.
Coding change: c.247A>C on transcript NM_001042750.2 (MANE Select); coding-DNA position 247, A replaced by C.
Protein change: p.Met83Leu; replaces methionine 83 with leucine.
Molecular consequence: missense variant.
Genome position (GRCh38, 1-based): chrX:124,031,084, A>C. VCF-style: chrX-124031084-A-C. GRCh37 (hg19) VCF-style: chrX-123164934-A-C.
Other names: c.247A>C, p.Met83Leu (NM_001375371.1, NM_001375372.1, NM_001375376.1 and 13 more transcripts); short protein forms M83L.
Identifiers: ClinVar variation 3618848 (VCV003618848.2).